The following is an entry in ClinVar:

NM_000038.6(APC):c.5962A>G (p.Lys1988Glu)

Gene: APC (APC regulator of Wnt signaling pathway; plus strand). Cytogenetic location: 5q22.2.
Variant type: single nucleotide variant.
Coding change: c.5962A>G on transcript NM_000038.6 (MANE Select); coding-DNA position 5962, A replaced by G.
Protein change: p.Lys1988Glu; replaces lysine 1988 with glutamic acid.
Molecular consequence: missense variant.
Genome position (GRCh38, 1-based): chr5:112,841,556, A>G. VCF-style: chr5-112841556-A-G. GRCh37 (hg19) VCF-style: chr5-112177253-A-G.
Other names: c.5962A>G, p.Lys1988Glu (NM_001127510.3, NM_001354895.2, NM_001407450.1); c.5908A>G, p.Lys1970Glu (NM_001127511.3); c.6016A>G, p.Lys2006Glu (NM_001354896.2, NM_001407447.1, NM_001407448.1 and 1 more transcripts); c.5992A>G, p.Lys1998Glu (NM_001354897.2); c.5887A>G, p.Lys1963Glu (NM_001354898.2); c.5878A>G, p.Lys1960Glu (NM_001354899.2); c.5839A>G, p.Lys1947Glu (NM_001354900.2); c.5785A>G, p.Lys1929Glu (NM_001354901.2, NM_001407453.1); and 11 more; short protein forms K1705E, K1887E, K1970E, K1978E, K1998E, K2016E, K1862E, K1897E.
Identifiers: ClinVar variation 1750743 (VCV001750743.2), dbSNP rs2149953540, ClinGen allele CA16034383.

ClinVar aggregate classification (germline): Uncertain significance (1 of 4 stars; one submission).

Conditions:
Hereditary cancer-predisposing syndrome. Also called: Hereditary Cancer Syndrome; Hereditary neoplastic syndrome; Neoplastic Syndromes, Hereditary; Tumor predisposition. Identifiers: Orphanet 140162, MedGen C0027672, MeSH D009386, MONDO:0015356.

Submission:

Ambry Genetics
Classification: Uncertain significance for Hereditary cancer-predisposing syndrome. Last evaluated: 2019-07-30. Review status: criteria provided, single submitter. Criteria: Ambry Variant Classification Scheme 2023. Collection method: clinical testing. Allele origin: germline.
Comment: The p.K1988E variant (also known as c.5962A>G), located in coding exon 15 of the APC gene, results from an A to G substitution at nucleotide position 5962. The lysine at codon 1988 is replaced by glutamic acid, an amino acid with similar properties. This amino acid position is well conserved in available vertebrate species. In addition, in silico predictors for this gene do not accurately predict pathogenicity. Since supporting evidence is limited at this time, the clinical significance of this alteration remains unclear.